The following is an entry in ClinVar:

NM_000098.3(CPT2):c.1592T>C (p.Met531Thr)

Gene: CPT2 (carnitine palmitoyltransferase 2; plus strand). Cytogenetic location: 1p32.3.
Variant type: single nucleotide variant.
Coding change: c.1592T>C on transcript NM_000098.3 (MANE Select); coding-DNA position 1592, T replaced by C.
Protein change: p.Met531Thr; replaces methionine 531 with threonine.
Molecular consequence: missense variant. On other transcripts: intron variant (1).
Genome position (GRCh38, 1-based): chr1:53,211,266, T>C. VCF-style: chr1-53211266-T-C. GRCh37 (hg19) VCF-style: chr1-53676938-T-C.
Other names: c.1576+16T>C (NM_001330589.2); short protein forms M531T.
Identifiers: ClinVar variation 2074419 (VCV002074419.4), dbSNP rs1645426380, ClinGen allele CA340396894.

ClinVar aggregate classification (germline): Uncertain significance (1 of 4 stars; one submission).

Conditions:
Carnitine palmitoyltransferase II deficiency. Also called: Carnitine Palmitoyltransferase 2 Deficiency. Identifiers: Orphanet 157, MedGen C0342790, MONDO:0015515.

Allele frequency attached by ClinVar (database versions not stated): gnomAD 0.00001.

Submission:

Labcorp Genetics (formerly Invitae), Labcorp
Classification: Uncertain significance for Carnitine palmitoyltransferase II deficiency. Last evaluated: 2022-07-01. Review status: criteria provided, single submitter. Criteria: Invitae Variant Classification Sherloc (09022015). Collection method: clinical testing. Allele origin: germline.
Comment: This variant is not present in population databases (gnomAD no frequency). In summary, the available evidence is currently insufficient to determine the role of this variant in disease. Therefore, it has been classified as a Variant of Uncertain Significance. Advanced modeling of protein sequence and biophysical properties (such as structural, functional, and spatial information, amino acid conservation, physicochemical variation, residue mobility, and thermodynamic stability) performed at Invitae indicates that this missense variant is not expected to disrupt CPT2 protein function. This variant has not been reported in the literature in individuals affected with CPT2-related conditions. This sequence change replaces methionine, which is neutral and non-polar, with threonine, which is neutral and polar, at codon 531 of the CPT2 protein (p.Met531Thr).